The following is an entry in ClinVar:

NM_020461.4(TUBGCP6):c.2090C>T (p.Ala697Val)

Gene: TUBGCP6 (tubulin gamma complex component 6; minus strand). Cytogenetic location: 22q13.33.
Variant type: single nucleotide variant.
Coding change: c.2090C>T on transcript NM_020461.4 (MANE Select); coding-DNA position 2090, C replaced by T.
Protein change: p.Ala697Val; replaces alanine 697 with valine.
Molecular consequence: missense variant.
Genome position (GRCh38, 1-based): chr22:50,224,396, G>A on the plus strand (C>T on the coding strand, the complement: TUBGCP6 is on the minus strand). VCF-style: chr22-50224396-G-A. GRCh37 (hg19) VCF-style: chr22-50662825-G-A.
Other names: c.2090C>T (NM_020461.3); short protein forms A697V.
Identifiers: ClinVar variation 809383 (VCV000809383.47), dbSNP rs1601589825, ClinGen allele CA412103138.

ClinVar aggregate classification (germline): Uncertain significance. Review status: criteria provided, multiple submitters, no conflicts (2 of 4 stars). 3 submissions from 3 submitters: Uncertain significance (3). Last evaluated 2023-01-23.

Conditions:
Inborn genetic diseases. Identifiers: MedGen C0950123, MeSH D030342.

Allele frequency attached by ClinVar (database versions not stated): gnomAD exomes below 0.00001.
gnomAD v4.1: 5 of 1,614,164 alleles (0.00031%); highest among the groups gnomAD compares: Middle Eastern, 0.016%; no homozygotes.

Submissions (3):

Ambry Genetics
Classification: Uncertain significance for Inborn genetic diseases. Last evaluated: 2023-01-23. Review status: criteria provided, single submitter. Criteria: Ambry Variant Classification Scheme 2023. Collection method: clinical testing. Allele origin: germline.

Labcorp Genetics (formerly Invitae), Labcorp
Classification: Uncertain significance. Last evaluated: 2022-07-19. Review status: criteria provided, single submitter. Criteria: Invitae Variant Classification Sherloc (09022015). Collection method: clinical testing. Allele origin: germline.
Comment: This sequence change replaces alanine, which is neutral and non-polar, with valine, which is neutral and non-polar, at codon 697 of the TUBGCP6 protein (p.Ala697Val). This variant is not present in population databases (gnomAD no frequency). This variant has not been reported in the literature in individuals affected with TUBGCP6-related conditions. ClinVar contains an entry for this variant (Variation ID: 809383). Algorithms developed to predict the effect of missense changes on protein structure and function output the following: SIFT: "Tolerated"; PolyPhen-2: "Benign"; Align-GVGD: "Class C0". The valine amino acid residue is found in multiple mammalian species, which suggests that this missense change does not adversely affect protein function. In summary, the available evidence is currently insufficient to determine the role of this variant in disease. Therefore, it has been classified as a Variant of Uncertain Significance.

CeGaT Center for Human Genetics Tuebingen
Classification: Uncertain significance. Last evaluated: 2017-03-01. Review status: criteria provided, single submitter. Criteria: CeGaT Center For Human Genetics Tuebingen Variant Classification Criteria Version 2. Collection method: clinical testing. Allele origin: germline. Affected: yes. Observed: 1 variant allele.